The following is an entry in ClinVar:

NM_001164508.2(NEB):c.9619-9C>T

Gene: NEB (nebulin; minus strand). Cytogenetic location: 2q23.3.
Variant type: single nucleotide variant.
Coding change: c.9619-9C>T on transcript NM_001164508.2 (MANE Select); 9 bases into the intron before coding-DNA position 9619, C replaced by T.
Molecular consequence: intron variant.
Genome position (GRCh38, 1-based): chr2:151,630,828, G>A on the plus strand (C>T on the coding strand, the complement: NEB is on the minus strand). VCF-style: chr2-151630828-G-A. GRCh37 (hg19) VCF-style: chr2-152487342-G-A.
Other names: c.8890-9C>T (NM_004543.5); c.9619-9C>T (NM_001164507.2, NM_001271208.2).
Identifiers: ClinVar variation 706251 (VCV000706251.13), dbSNP rs778009768, ClinGen allele CA1909254.

ClinVar aggregate classification (germline): Likely benign. Review status: criteria provided, multiple submitters, no conflicts (2 of 4 stars). 3 submissions from 3 submitters: Likely benign (2). 1 of the submissions does not count toward it. Last evaluated 2026-01-12.

Conditions:
Nemaline myopathy 2 (NEM2). Also called: Nemaline myopathy 2, autosomal recessive. Identifiers: MedGen C1850569, MONDO:0009725, OMIM 256030.

Allele frequency attached by ClinVar (database versions not stated): gnomAD exomes 0.00003 and 0.00014; ExAC 0.00005; TOPMed 0.00006; gnomAD 0.00007 and 0.00008.
gnomAD v4.1: 210 of 1,567,894 alleles (0.013%); highest among the groups gnomAD compares: Non-Finnish European, 0.018%; no homozygotes.

Submissions (3):

Labcorp Genetics (formerly Invitae), Labcorp
Classification: Likely benign for Nemaline myopathy 2. Last evaluated: 2026-01-12. Review status: criteria provided, single submitter. Criteria: Invitae Variant Classification Sherloc (09022015). Collection method: clinical testing. Allele origin: germline.

Athena Diagnostics
Classification: Likely benign. Last evaluated: 2025-09-25. Review status: criteria provided, single submitter. Criteria: Athena Diagnostics Criteria. Collection method: clinical testing. Allele origin: unknown.
Comment: Computational tools yielded predictions that this variant is unlikely to have an effect on normal RNA splicing. This nucleotide position exhibits low evolutionary conservation.

Natera, Inc.
Classification: Uncertain significance for Nemaline myopathy type 2. Last evaluated: 2020-02-13. Review status: no assertion criteria provided. Collection method: clinical testing. Allele origin: germline. Not counted in ClinVar's aggregate classification.